The following is an entry in ClinVar:

NM_021969.3(NR0B2):c.160C>T (p.Arg54Cys)

Genes: NR0B2 (nuclear receptor subfamily 0 group B member 2; minus strand), NUDC (nuclear distribution C, dynein complex regulator; plus strand). Cytogenetic location: 1p36.11.
Variant type: single nucleotide variant.
Coding change: c.160C>T on transcript NM_021969.3 (MANE Select); coding-DNA position 160, C replaced by T.
Protein change: p.Arg54Cys; replaces arginine 54 with cysteine.
Molecular consequence: missense variant.
Genome position (GRCh38, 1-based): chr1:26,913,781, G>A on the plus strand (C>T on the coding strand, the complement: NR0B2 is on the minus strand). VCF-style: chr1-26913781-G-A. GRCh37 (hg19) VCF-style: chr1-27240272-G-A.
Other names: short protein forms R54C.
Identifiers: ClinVar variation 449569 (VCV000449569.10), dbSNP rs113654931, ClinGen allele CA709710.
Genomic context (GRCh38, chr1:26,913,781, plus strand): 5'-GCAGGTTCCTGAGGAAGGCCACTGTCTTGGCCAGAACATCCAAGGCCTCCCGGCAGGTGC[G>A]ATGAGGTGCACATAGCTGGACGGGCCGGTGCTGCCTACATAGGCAGCGGCTACGGGGTCG-3'
Protein context (NP_068804.1, residues 44-64): HRPVQLCAPH[Arg54Cys]TCREALDVLA

ClinVar aggregate classification (germline): Uncertain significance. Review status: criteria provided, multiple submitters, no conflicts (2 of 4 stars). 4 submissions from 4 submitters: Uncertain significance (4). Last evaluated 2026-05-12.

Conditions:
NR0B2-related disorder. Also called: NR0B2-related condition.

Allele frequency attached by ClinVar (database versions not stated): gnomAD exomes 0.00022 and 0.00032; gnomAD 0.00026 and 0.00027; ExAC 0.00029; ESP Exome Variant Server 0.00038; 1000 Genomes Project 0.00040; TOPMed 0.00040.
gnomAD v4.1: 348 of 1,558,350 alleles (0.022%); highest among the groups gnomAD compares: Admixed American, 0.088%; 1 homozygote.

Submissions (4):

PreventionGenetics, part of Exact Sciences
Classification: Uncertain significance for NR0B2-related condition. Last evaluated: 2026-05-12. Review status: criteria provided, single submitter. Criteria: ACMG Guidelines, 2015. Collection method: clinical testing. Allele origin: germline.
Comment: The NR0B2 c.160C>T variant is predicted to result in the amino acid substitution p.Arg54Cys. This variant was reported as probably damaging in one individual in a study of whole-exome sequencing of individuals with low levels of HDL-C from the UCSF Genomic Resource in Arteriosclerosis (GRA) (Table S3, Dong et al. 2022. PubMed ID: 35460704). It was reported in a type 2 diabetes control subject; however, the authors also reported it caused reduced protein function (Enya et al. 2008. PubMed ID: 18781616). This variant is reported in 0.062% of alleles in individuals of Latino descent in gnomAD. At this time, the clinical significance of this variant is uncertain due to the absence of conclusive functional and genetic evidence.

Labcorp Genetics (formerly Invitae), Labcorp
Classification: Uncertain significance. Last evaluated: 2024-12-12. Review status: criteria provided, single submitter. Criteria: Invitae Variant Classification Sherloc (09022015). Collection method: clinical testing. Allele origin: germline.
Comment: This sequence change replaces arginine, which is basic and polar, with cysteine, which is neutral and slightly polar, at codon 54 of the NR0B2 protein (p.Arg54Cys). This variant is present in population databases (rs113654931, gnomAD 0.07%), and has an allele count higher than expected for a pathogenic variant. This missense change has been observed in individual(s) with hypoalphalipoproteinemia (PMID: 35460704). ClinVar contains an entry for this variant (Variation ID: 449569). Invitae Evidence Modeling of protein sequence and biophysical properties (such as structural, functional, and spatial information, amino acid conservation, physicochemical variation, residue mobility, and thermodynamic stability) indicates that this missense variant is not expected to disrupt NR0B2 protein function with a negative predictive value of 80%. In summary, the available evidence is currently insufficient to determine the role of this variant in disease. Therefore, it has been classified as a Variant of Uncertain Significance.

Blueprint Genetics
Classification: Uncertain significance. Last evaluated: 2024-11-06. Review status: criteria provided, single submitter. Criteria: ACMG Guidelines, 2015. Collection method: clinical testing. Allele origin: germline.

GeneDx
Classification: Uncertain significance. Last evaluated: 2017-07-18. Review status: criteria provided, single submitter. Criteria: GeneDx Variant Classification (06012015). Collection method: clinical testing. Allele origin: germline. Affected: yes.
Comment: The R54C variant in the NR0B2 gene has not been published in association with disease to our knowledge. However, it has been reported previously in 1/752 controls and 0/805 affected individuals from a study examining the association between NR0B2 variants and type 2 diabetes mellitus, with functional studies suggesting that the R54C variant may reduce receptor activity (Enya et al., 2008). This variant is observed in 28/62016 (0.045%) alleles from individuals of non-Finnish European background in the ExAC dataset (Lek et al., 2016). The R54C variant is a non-conservative amino acid substitution, which is likely to impact secondary protein structure as these residues differ in polarity, charge, size and/or other properties. This substitution occurs at a position that is not conserved. In silico analysis is inconsistent in its predictions as to whether or not the variant is damaging to the protein structure/function. We interpret R54C as a variant of uncertain significance.

Literature cited by the submitters: PubMed 35460704 (cited by Labcorp Genetics (formerly Invitae), Labcorp).